The following is an entry in ClinVar:

ClinVar aggregate classification (germline): Likely pathogenic (1 of 4 stars; one submission).

Submission:

GeneDx
Classification: Likely pathogenic. Last evaluated: 2024-03-27. Review status: criteria provided, single submitter. Criteria: GeneDx Variant Classification Process June 2021. Collection method: clinical testing. Allele origin: germline. Affected: yes.
Comment: Not observed at significant frequency in large population cohorts (gnomAD); In silico analysis supports that this missense variant does not alter protein structure/function; This variant is associated with the following publications: (PMID: 21520338, 31554319, 9590290, 16718611, 27368438, 23936151)

NM_005422.4(TECTA):c.5945C>A (p.Ala1982Asp)

Genes: TBCEL-TECTA (TBCEL-TECTA readthrough; plus strand), TECTA (tectorin alpha; plus strand). Cytogenetic location: 11q23.3.
Variant type: single nucleotide variant.
Coding change: c.5945C>A on transcript NM_005422.4 (MANE Select); coding-DNA position 5945, C replaced by A.
Protein change: p.Ala1982Asp; replaces alanine 1982 with aspartic acid.
Molecular consequence: missense variant.
Genome position (GRCh38, 1-based): chr11:121,168,871, C>A. VCF-style: chr11-121168871-C-A. GRCh37 (hg19) VCF-style: chr11-121039580-C-A.
Other names: c.6887C>A, p.Ala2296Asp (NM_001378761.1); short protein forms A1982D, A2296D.
Identifiers: ClinVar variation 3342518 (VCV003342518.1).